The following is an entry in ClinVar:

NM_001792.5(CDH2):c.588T>A (p.Ser196Arg)

Gene: CDH2 (cadherin 2; minus strand). Cytogenetic location: 18q12.1.
Variant type: single nucleotide variant.
Coding change: c.588T>A on transcript NM_001792.5 (MANE Select); coding-DNA position 588, T replaced by A.
Protein change: p.Ser196Arg; replaces serine 196 with arginine.
Molecular consequence: missense variant.
Genome position (GRCh38, 1-based): chr18:28,009,831, A>T on the plus strand (T>A on the coding strand, the complement: CDH2 is on the minus strand). VCF-style: chr18-28009831-A-T. GRCh37 (hg19) VCF-style: chr18-25589795-A-T.
Other names: c.495T>A, p.Ser165Arg (NM_001308176.2); short protein forms S165R, S196R.
Identifiers: ClinVar variation 3364021 (VCV003364021.2).
Genomic context (GRCh38, chr18:28,009,831, plus strand): 5'-CGAGATGGGGTTGATAATGAAGATACCAGTTGGAGGCTGGTCAGCTCCTGGCCCAGTTAC[A>T]CTGTACCGCAGTGAAAGGTTTTTATCTCTATCAGACCTGATCTGAGGATCAAGAAAACAA-3'
Protein context (NP_001783.2, residues 186-206): DRDKNLSLRY[Ser196Arg]VTGPGADQPP

ClinVar aggregate classification (germline): Uncertain significance. Review status: criteria provided, multiple submitters, no conflicts (2 of 4 stars). 2 submissions from 2 submitters: Uncertain significance (2). Last evaluated 2025-06-25.

Submissions (2):

Labcorp Genetics (formerly Invitae), Labcorp
Classification: Uncertain significance. Last evaluated: 2025-06-25. Review status: criteria provided, single submitter. Criteria: Invitae Variant Classification Sherloc (09022015). Collection method: clinical testing. Allele origin: germline.
Comment: This sequence change replaces serine, which is neutral and polar, with arginine, which is basic and polar, at codon 196 of the CDH2 protein (p.Ser196Arg). This variant is not present in population databases (gnomAD no frequency). This variant has not been reported in the literature in individuals affected with CDH2-related conditions. ClinVar contains an entry for this variant (Variation ID: 3364021). An algorithm developed to predict the effect of missense changes on protein structure and function (PolyPhen-2) suggests that this variant is likely to be disruptive. In summary, the available evidence is currently insufficient to determine the role of this variant in disease. Therefore, it has been classified as a Variant of Uncertain Significance.

GeneDx
Classification: Uncertain significance. Last evaluated: 2023-11-07. Review status: criteria provided, single submitter. Criteria: GeneDx Variant Classification Process June 2021. Collection method: clinical testing. Allele origin: germline. Affected: yes.
Comment: Not observed at significant frequency in large population cohorts (gnomAD); In silico analysis supports that this missense variant has a deleterious effect on protein structure/function; Has not been previously published as pathogenic or benign to our knowledge